The following is an entry in ClinVar:

ClinVar aggregate classification (germline): Uncertain significance (1 of 4 stars; one submission).

Conditions:
Hereditary cancer-predisposing syndrome. Also called: Neoplastic Syndromes, Hereditary; Tumor predisposition; Hereditary neoplastic syndrome; Hereditary Cancer Syndrome. Identifiers: Orphanet 140162, MedGen C0027672, MeSH D009386, MONDO:0015356.

Submission:

Ambry Genetics
Classification: Uncertain significance for Hereditary cancer-predisposing syndrome. Last evaluated: 2026-07-06. Review status: criteria provided, single submitter. Criteria: Ambry Variant Classification Scheme 2023. Collection method: clinical testing. Allele origin: germline.
Comment: The p.F83L variant (also known as c.249T>A), located in coding exon 3 of the BMPR1A gene, results from a T to A substitution at nucleotide position 249. The phenylalanine at codon 83 is replaced by leucine, an amino acid with highly similar properties. This amino acid position is conserved. In addition, the in silico prediction for this alteration is inconclusive. Based on the available evidence, the clinical significance of this variant remains unclear.

NM_004329.3(BMPR1A):c.249T>A (p.Phe83Leu)

Gene: BMPR1A (bone morphogenetic protein receptor type 1A; plus strand). Cytogenetic location: 10q23.2.
Variant type: single nucleotide variant.
Coding change: c.249T>A on transcript NM_004329.3 (MANE Select); coding-DNA position 249, T replaced by A.
Protein change: p.Phe83Leu; replaces phenylalanine 83 with leucine.
Molecular consequence: missense variant. On other transcripts: non-coding transcript variant (3).
Genome position (GRCh38, 1-based): chr10:86,892,145, T>A. VCF-style: chr10-86892145-T-A. GRCh37 (hg19) VCF-style: chr10-88651902-T-A.
Other names: c.249T>A, p.Phe83Leu (NM_001406559.1, NM_001406560.1, NM_001406561.1 and 23 more transcripts); c.165T>A, p.Phe55Leu (NM_001406584.1, NM_001406585.1, NM_001406586.1 and 2 more transcripts); short protein forms F55L, F83L.
Identifiers: ClinVar variation 5032986 (VCV005032986.1).